The following is an entry in ClinVar:

NM_032043.3(BRIP1):c.2906-19_2911del

Gene: BRIP1 (BRCA1 interacting DNA helicase 1; minus strand). Cytogenetic location: 17q23.2.
Variant type: Deletion.
Coding change: c.2906-19_2911del on transcript NM_032043.3 (MANE Select); 19 bases into the intron before coding-DNA position 2906 through coding-DNA position 2911, 25 bases deleted (TAAATTCTTGTATTCTTAGATGATC).
Molecular consequence: splice acceptor variant.
Genome position (GRCh38, 1-based): chr17:61,684,135-61,684,159, GATCATCTAAGAATACAAGAATTTA deleted on the plus strand (TAAATTCTTGTATTCTTAGATGATC on the coding strand, the reverse complement: BRIP1 is on the minus strand). VCF-style (leftmost placement, unchanged base first): chr17-61684134-GGATCATCTAAGAATACAAGAATTTA-G. GRCh37 (hg19) VCF-style: chr17-59761495-GGATCATCTAAGAATACAAGAATTTA-G.
Identifiers: ClinVar variation 1797505 (VCV001797505.3), dbSNP rs2544562694, ClinGen allele CA2580094577.

ClinVar aggregate classification (germline): Uncertain significance (1 of 4 stars; one submission).

Conditions:
Hereditary cancer-predisposing syndrome. Also called: Tumor predisposition; Hereditary Cancer Syndrome; Hereditary neoplastic syndrome; Neoplastic Syndromes, Hereditary. Identifiers: Orphanet 140162, MedGen C0027672, MeSH D009386, MONDO:0015356.

Submission:

Ambry Genetics
Classification: Uncertain significance for Hereditary cancer-predisposing syndrome. Last evaluated: 2026-02-23. Review status: criteria provided, single submitter. Criteria: Ambry Variant Classification Scheme 2023. Collection method: clinical testing. Allele origin: germline.
Comment: The c.2906-19_2911del25 variant results from a deletion of 25 nucleotides between positions c.2906-19 and c.2911 and involves the canonical splice acceptor site before coding exon 19 of the BRIP1 gene. The canonical splice acceptor site is highly conserved in available vertebrate species. In silico splice site analysis predicts that this alteration will weaken the native splice acceptor site; however, the exact impact of this deletion on splicing and function is currently unknown. Variants that disrupt the canonical splice site are expected to cause aberrant splicing, resulting in an abnormal protein or a transcript that is subject to nonsense-mediated mRNA decay. Based on the available evidence, the clinical significance of this variant remains unclear.

Literature cited by the submitters: PubMed 19339519.